The following is an entry in ClinVar:

NM_001077418.3(TMEM231):c.582+139C>A

Gene: TMEM231 (transmembrane protein 231; minus strand). Cytogenetic location: 16q23.1.
Variant type: single nucleotide variant.
Coding change: c.582+139C>A on transcript NM_001077418.3 (MANE Select); 139 bases into the intron after coding-DNA position 582, C replaced by A.
Molecular consequence: intron variant.
Genome position (GRCh38, 1-based): chr16:75,545,213, G>T on the plus strand (C>A on the coding strand, the complement: TMEM231 is on the minus strand). VCF-style: chr16-75545213-G-T. GRCh37 (hg19) VCF-style: chr16-75579111-G-T.
Other names: c.741+139C>A (NM_001077416.2).
Identifiers: ClinVar variation 672713 (VCV000672713.2), dbSNP rs4149500, ClinGen allele CA14301886.

ClinVar aggregate classification (germline): Benign. Review status: criteria provided, multiple submitters, no conflicts (2 of 4 stars). 2 submissions from 2 submitters: Benign (2). Last evaluated 2018-06-14.

Allele frequency attached by ClinVar (database versions not stated): 1000 Genomes Project 30x 0.13726; 1000 Genomes Project 0.14297; TOPMed 0.15774; gnomAD 0.16681 and 0.16883.
gnomAD v4.1: 218,390 of 1,222,920 alleles (18%); highest among the groups gnomAD compares: Non-Finnish European, 19%; 20,631 homozygotes.

Submissions (2):

GeneDx
Classification: Benign. Last evaluated: 2018-06-14. Review status: criteria provided, single submitter. Criteria: GeneDx Variant Classification (06012015). Collection method: clinical testing. Allele origin: germline. Affected: yes.
Comment: This variant is considered likely benign or benign based on one or more of the following criteria: it is a conservative change, it occurs at a poorly conserved position in the protein, it is predicted to be benign by multiple in silico algorithms, and/or has population frequency not consistent with disease.

Breakthrough Genomics
Classification: Benign. Review status: criteria provided, single submitter. Criteria: ACMG Guidelines, 2015. Collection method: not provided. Allele origin: germline. Inheritance: Autosomal recessive inheritance. Affected: yes.